The following is an entry in ClinVar:

ClinVar aggregate classification (germline): Likely benign. Review status: criteria provided, single submitter (1 of 4 stars). 2 submissions from 2 submitters: Likely benign (1). 1 of the submissions does not count toward it. Last evaluated 2022-10-19.

Conditions:
INPP5E-related disorder. Also called: INPP5E-related condition.
Joubert syndrome. Also called: CEREBELLOPARENCHYMAL DISORDER IV; JOUBERT-BOLTSHAUSER SYNDROME; Familial aplasia of the vermis. Identifiers: Orphanet 475, MedGen C5979921, MONDO:0018772.

Allele frequency attached by ClinVar (database versions not stated): gnomAD exomes 0.00001; TOPMed 0.00001; gnomAD 0.00001.

Submissions (2):

Labcorp Genetics (formerly Invitae), Labcorp
Classification: Likely benign for Joubert syndrome. Last evaluated: 2022-10-19. Review status: criteria provided, single submitter. Criteria: Invitae Variant Classification Sherloc (09022015). Collection method: clinical testing. Allele origin: germline.

PreventionGenetics, part of Exact Sciences
Classification: Likely benign for INPP5E-related condition. Last evaluated: 2024-08-06. Review status: no assertion criteria provided. Collection method: clinical testing. Allele origin: germline. Not counted in ClinVar's aggregate classification.
Comment: This variant is classified as likely benign based on ACMG/AMP sequence variant interpretation guidelines (Richards et al. 2015 PMID: 25741868, with internal and published modifications).

NM_019892.6(INPP5E):c.1869G>A (p.Ser623=)

Gene: INPP5E (inositol polyphosphate-5-phosphatase E; minus strand). Cytogenetic location: 9q34.3.
Variant type: single nucleotide variant.
Coding change: c.1869G>A on transcript NM_019892.6 (MANE Select); coding-DNA position 1869, G replaced by A.
Protein change: p.Ser623=; no amino-acid change (serine 623 retained).
Molecular consequence: synonymous variant.
Genome position (GRCh38, 1-based): chr9:136,429,741, C>T on the plus strand (G>A on the coding strand, the complement: INPP5E is on the minus strand). VCF-style: chr9-136429741-C-T. GRCh37 (hg19) VCF-style: chr9-139324193-C-T.
Other names: c.1866G>A, p.Ser622= (NM_001318502.2); c.1869G>A (NM_019892.5).
Identifiers: ClinVar variation 2068535 (VCV002068535.5), dbSNP rs1197098105, ClinGen allele CA467719897.
Genomic context (GRCh38, chr9:136,429,741, plus strand): 5'-AACGGAGCAGATGGTGCTGGAGTTCTGACTCTGTAGTGCTTGCTGCCTCTGAATCTCCTT[C>T]GAAATCCGTCTTTTAATTCCTAGTAAGTACAGTTCTCTATCAAATTTGCCAGCTGCCAAC-3'
Protein context (NP_063945.2, residues 613-633): LYLLGIKRRI[Ser623=]KEIQRQQALQ